The following is an entry in ClinVar:

NM_000379.4(XDH):c.1494C>T (p.Pro498=)

Gene: XDH (xanthine dehydrogenase; minus strand). Cytogenetic location: 2p23.1.
Variant type: single nucleotide variant.
Coding change: c.1494C>T on transcript NM_000379.4 (MANE Select); coding-DNA position 1494, C replaced by T.
Protein change: p.Pro498=; no amino-acid change (proline 498 retained).
Molecular consequence: synonymous variant.
Genome position (GRCh38, 1-based): chr2:31,375,488, G>A on the plus strand (C>T on the coding strand, the complement: XDH is on the minus strand). VCF-style: chr2-31375488-G-A. GRCh37 (hg19) VCF-style: chr2-31598354-G-A.
Other names: c.1494C>T (NM_000379.3).
Identifiers: ClinVar variation 2081180 (VCV002081180.6), dbSNP rs554635384, ClinGen allele CA1599215.
Genomic context (GRCh38, chr2:31,375,488, plus strand): 5'-CTTGAAGAAGAAGCTGAGGGTGAGGGTGCACCGGAAGTCCACCATGCCACCAGGGGCATC[G>A]GGAGGCAGATGCAGCTCCTCTGCCAGTCCTGCACACACGTCCTGCAGCAGCTCCTCCTTC-3'
Protein context (NP_000370.2, residues 488-508): AGLAEELHLP[Pro498=]DAPGGMVDFR

ClinVar aggregate classification (germline): Likely benign. Review status: criteria provided, single submitter (1 of 4 stars). 2 submissions from 2 submitters: Likely benign (1). 1 of the submissions does not count toward it. Last evaluated 2024-04-02.

Conditions:
XDH-related disorder. Also called: XDH-related condition.
Xanthinuria type II. Also called: Xanthine dehydrogenase and aldehyde oxidase combined deficiency of; XDH and AOX dual deficiency. Identifiers: Orphanet 3467, Orphanet 93602, MedGen C1863688, MONDO:0011346, OMIM 603592.

Allele frequency attached by ClinVar (database versions not stated): ExAC 0.00001; TOPMed 0.00002; gnomAD exomes 0.00003; gnomAD 0.00005; 1000 Genomes Project 30x 0.00016; 1000 Genomes Project 0.00020.

Submissions (2):

Labcorp Genetics (formerly Invitae), Labcorp
Classification: Likely benign for Xanthinuria type II. Last evaluated: 2024-04-02. Review status: criteria provided, single submitter. Criteria: Invitae Variant Classification Sherloc (09022015). Collection method: clinical testing. Allele origin: germline.

PreventionGenetics, part of Exact Sciences
Classification: Likely benign for XDH-related condition. Last evaluated: 2019-02-21. Review status: no assertion criteria provided. Collection method: clinical testing. Allele origin: germline. Not counted in ClinVar's aggregate classification.
Comment: This variant is classified as likely benign based on ACMG/AMP sequence variant interpretation guidelines (Richards et al. 2015 PMID: 25741868, with internal and published modifications).